The following is an entry in ClinVar:

NM_004606.5(TAF1):c.*415C>T

Gene: TAF1 (TATA-box binding protein associated factor 1; plus strand). Cytogenetic location: Xq13.1.
Variant type: single nucleotide variant.
Coding change: c.*415C>T on transcript NM_004606.5 (MANE Select); 415 bases downstream of the stop codon, C replaced by T.
Molecular consequence: 3 prime UTR variant. On other transcripts: intron variant (3).
Genome position (GRCh38, 1-based): chrX:71,464,461, C>T. VCF-style: chrX-71464461-C-T. GRCh37 (hg19) VCF-style: chrX-70684311-C-T.
Other names: c.*415C>T (NM_001286074.2, NM_138923.4); c.5502-1807C>T (NM_001440852.1); c.5400-1807C>T (NM_001440853.1); c.5337-1807C>T (NM_001440854.1).
Identifiers: ClinVar variation 4871963 (VCV004871963.2).

ClinVar aggregate classification (germline): Likely benign (1 of 4 stars; one submission).

Submission:

CeGaT Center for Human Genetics Tuebingen
Classification: Likely benign. Last evaluated: 2026-04-01. Review status: criteria provided, single submitter. Criteria: CeGaT Center For Human Genetics Tuebingen Variant Classification Criteria Version 2. Collection method: clinical testing. Allele origin: germline. Affected: yes. Observed: 1 variant allele.
Comment: TAF1: PM2:Supporting, BP4, BP7